The following is an entry in ClinVar:

NM_000444.6(PHEX):c.613del (p.Arg205fs)

Gene: PHEX (phosphate regulating endopeptidase X-linked; plus strand). Cytogenetic location: Xp22.11.
Variant type: Deletion.
Coding change: c.613del on transcript NM_000444.6 (MANE Select); coding-DNA position 613, one base deleted (C; older notation c.613delC).
Protein change: p.Arg205fs; shifts the reading frame from arginine 205.
Molecular consequence: frameshift variant.
Genome position (GRCh38, 1-based): chrX:22,077,652, C deleted; the last of 2 consecutive C bases (chrX:22,077,651-22,077,652); deleting either gives the same sequence. VCF-style (leftmost placement, unchanged base first): chrX-22077650-TC-T. GRCh37 (hg19) VCF-style: chrX-22095768-TC-T.
Other names: c.613del, p.Arg205fs (NM_001282754.2); short protein forms R205fs.
Identifiers: ClinVar variation 998044 (VCV000998044.5), dbSNP rs1929214770, ClinGen allele CA2419161949.

ClinVar aggregate classification (germline): Pathogenic. Review status: criteria provided, single submitter (1 of 4 stars). 2 submissions from 2 submitters: Pathogenic (1). 1 of the submissions does not count toward it. Last evaluated 2022-03-24.

Conditions:
Familial X-linked hypophosphatemic vitamin D refractory rickets (XLHRD). Also called: X-Linked Hypophosphatemia; Hypophosphatemia, vitamin D-resistant rickets; Vitamin D-resistant rickets, X-linked; HYPOPHOSPHATEMIC VITAMIN D-RESISTANT RICKETS; Hypophosphatemic Rickets, X-Linked Dominant. Identifiers: Orphanet 89936, MedGen C0733682, MONDO:0010619, OMIM 307800.

Submissions (2):

Labcorp Genetics (formerly Invitae), Labcorp
Classification: Pathogenic. Last evaluated: 2022-03-24. Review status: criteria provided, single submitter. Criteria: Invitae Variant Classification Sherloc (09022015). Collection method: clinical testing. Allele origin: germline.
Comment: This premature translational stop signal has been observed in individual(s) with clinical features of X-linked hypophosphatemia (PMID: 34006472). ClinVar contains an entry for this variant (Variation ID: 998044). For these reasons, this variant has been classified as Pathogenic. This sequence change creates a premature translational stop signal (p.Arg205Valfs*16) in the PHEX gene. It is expected to result in an absent or disrupted protein product. Loss-of-function variants in PHEX are known to be pathogenic (PMID: 9097956, 9106524, 19219621). This variant is not present in population databases (gnomAD no frequency).

Beijing Key Laboratory for Genetic Research of Skeletal Deformity, Peking Union Medical College Hospital
Classification: Pathogenic for Familial X-linked hypophosphatemic vitamin D refractory rickets. Last evaluated: 2019-05-31. Review status: no assertion criteria provided. Collection method: research. Allele origin: maternal. Affected: yes. Not counted in ClinVar's aggregate classification.

Literature cited by the submitters: PubMed 34006472 (cited by Labcorp Genetics (formerly Invitae), Labcorp); PubMed 9097956 (cited by Labcorp Genetics (formerly Invitae), Labcorp); PubMed 9106524 (cited by Labcorp Genetics (formerly Invitae), Labcorp); PubMed 19219621 (cited by Labcorp Genetics (formerly Invitae), Labcorp).